The following is an entry in ClinVar:

NM_001354761.2(ADD1):c.702G>A (p.Val234=)

Gene: ADD1 (adducin 1; plus strand). Cytogenetic location: 4p16.3.
Variant type: single nucleotide variant.
Coding change: c.702G>A on transcript NM_001354761.2 (MANE Select); coding-DNA position 702, G replaced by A.
Protein change: p.Val234=; no amino-acid change (valine 234 retained).
Molecular consequence: synonymous variant.
Genome position (GRCh38, 1-based): chr4:2,894,692, G>A. VCF-style: chr4-2894692-G-A. GRCh37 (hg19) VCF-style: chr4-2896419-G-A.
Other names: c.702G>A (NM_001354761.1); c.702G>A, p.Val234= (NM_001119.5, NM_001286645.2, NM_001354754.2 and 9 more transcripts).
Identifiers: ClinVar variation 789993 (VCV000789993.6), dbSNP rs112813723, ClinGen allele CA2819879.
Genomic context (GRCh38, chr4:2,894,692, plus strand): 5'-GGGAGTGAATCAGGCCGGCTTCACCTTACACTCTGCAATTTATGCTGCACGCCCGGACGT[G>A]AAGTGCGTCGTGCACATTCACACCCCAGCAGGGGCTGCGGTGAGTGGCTGCCCTGGTAGC-3'
Protein context (NP_001341690.1, residues 224-244): HSAIYAARPD[Val234=]KCVVHIHTPA

ClinVar aggregate classification (germline): Benign. Review status: criteria provided, multiple submitters, no conflicts (2 of 4 stars). 3 submissions from 3 submitters: Benign (3). Last evaluated 2025-03-06.

Conditions:
ADD1-related disorder. Also called: ADD1-related condition.

Allele frequency attached by ClinVar (database versions not stated): gnomAD 0.00865; 1000 Genomes Project 0.00978; TOPMed 0.00987; 1000 Genomes Project 30x 0.01062; ESP Exome Variant Server 0.01092.

Submissions (3):

PreventionGenetics, part of Exact Sciences
Classification: Benign for ADD1-related condition. Last evaluated: 2025-03-06. Review status: criteria provided, single submitter. Criteria: ACMG Guidelines, 2015. Collection method: clinical testing. Allele origin: germline.
Comment: This variant is classified as benign based on ACMG/AMP sequence variant interpretation guidelines (Richards et al. 2015 PMID: 25741868, with internal and published modifications).

Labcorp Genetics (formerly Invitae), Labcorp
Classification: Benign. Last evaluated: 2019-12-31. Review status: criteria provided, single submitter. Criteria: Invitae Variant Classification Sherloc (09022015). Collection method: clinical testing. Allele origin: germline.

Breakthrough Genomics
Classification: Benign. Review status: criteria provided, single submitter. Criteria: ACMG Guidelines, 2015. Collection method: not provided. Allele origin: germline. Inheritance: Multifactorial inheritance. Affected: yes.